The following is an entry in ClinVar:

ClinVar aggregate classification (germline): Uncertain significance (1 of 4 stars; one submission).

Conditions:
Carnitine palmitoyltransferase II deficiency. Also called: Carnitine Palmitoyltransferase 2 Deficiency. Identifiers: Orphanet 157, MedGen C0342790, MONDO:0015515.

Submission:

Labcorp Genetics (formerly Invitae), Labcorp
Classification: Uncertain significance for Carnitine palmitoyltransferase II deficiency. Last evaluated: 2022-08-13. Review status: criteria provided, single submitter. Criteria: Invitae Variant Classification Sherloc (09022015). Collection method: clinical testing. Allele origin: germline.
Comment: In summary, the available evidence is currently insufficient to determine the role of this variant in disease. Therefore, it has been classified as a Variant of Uncertain Significance. Advanced modeling of protein sequence and biophysical properties (such as structural, functional, and spatial information, amino acid conservation, physicochemical variation, residue mobility, and thermodynamic stability) performed at Invitae indicates that this missense variant is not expected to disrupt CPT2 protein function. This variant has not been reported in the literature in individuals affected with CPT2-related conditions. This variant is not present in population databases (gnomAD no frequency). This sequence change replaces asparagine, which is neutral and polar, with lysine, which is basic and polar, at codon 222 of the CPT2 protein (p.Asn222Lys).

NM_000098.3(CPT2):c.666C>G (p.Asn222Lys)

Gene: CPT2 (carnitine palmitoyltransferase 2; plus strand). Cytogenetic location: 1p32.3.
Variant type: single nucleotide variant.
Coding change: c.666C>G on transcript NM_000098.3 (MANE Select); coding-DNA position 666, C replaced by G.
Protein change: p.Asn222Lys; replaces asparagine 222 with lysine.
Molecular consequence: missense variant.
Genome position (GRCh38, 1-based): chr1:53,210,340, C>G. VCF-style: chr1-53210340-C-G. GRCh37 (hg19) VCF-style: chr1-53676012-C-G.
Other names: c.666C>G, p.Asn222Lys (NM_001330589.2); short protein forms N222K.
Identifiers: ClinVar variation 1716327 (VCV001716327.5), dbSNP rs766770153, ClinGen allele CA340393176.
Genomic context (GRCh38, chr1:53,210,340, plus strand): 5'-TGGGGCCTACCTGGTCAATGCGTATCCCCTGGATATGTCCCAGTATTTTCGGCTTTTCAA[C>G]TCAACTCGTTTACCCAAACCCAGTCGGGATGAACTCTTCACTGATGACAAGGCCAGACAC-3'
Protein context (NP_000089.1, residues 212-232): LDMSQYFRLF[Asn222Lys]STRLPKPSRD